The following is an entry in ClinVar:

ClinVar aggregate classification (germline): Uncertain significance (1 of 4 stars; one submission).

Submission:

GeneDx
Classification: Uncertain significance. Last evaluated: 2023-10-02. Review status: criteria provided, single submitter. Criteria: GeneDx Variant Classification Process June 2021. Collection method: clinical testing. Allele origin: germline. Affected: yes.
Comment: Not observed at significant frequency in large population cohorts (gnomAD); In silico analysis supports that this missense variant does not alter protein structure/function; Has not been previously published as pathogenic or benign to our knowledge

NM_001348716.2(KDM6B):c.2626G>C (p.Gly876Arg)

Gene: KDM6B (lysine demethylase 6B; plus strand). Cytogenetic location: 17p13.1.
Variant type: single nucleotide variant.
Coding change: c.2626G>C on transcript NM_001348716.2 (MANE Select); coding-DNA position 2626, G replaced by C.
Protein change: p.Gly876Arg; replaces glycine 876 with arginine.
Molecular consequence: missense variant.
Genome position (GRCh38, 1-based): chr17:7,848,914, G>C. VCF-style: chr17-7848914-G-C. GRCh37 (hg19) VCF-style: chr17-7752232-G-C.
Other names: c.2626G>C, p.Gly876Arg (NM_001080424.2); short protein forms G876R.
Identifiers: ClinVar variation 3253465 (VCV003253465.1), dbSNP rs199687664.